The following is an entry in ClinVar:

ClinVar aggregate classification (germline): Uncertain significance (1 of 4 stars; one submission).

Allele frequency attached by ClinVar (database versions not stated): ESP Exome Variant Server 0.00008; TOPMed 0.00011; gnomAD exomes 0.00015; 1000 Genomes Project 30x 0.00016; 1000 Genomes Project 0.00020; ExAC 0.00020.
gnomAD v4.1: 256 of 1,603,770 alleles (0.016%); highest among the groups gnomAD compares: Middle Eastern, 0.051%; no homozygotes.

Submission:

Labcorp Genetics (formerly Invitae), Labcorp
Classification: Uncertain significance. Last evaluated: 2025-01-20. Review status: criteria provided, single submitter. Criteria: Invitae Variant Classification Sherloc (09022015). Collection method: clinical testing. Allele origin: germline.
Comment: This sequence change replaces alanine, which is neutral and non-polar, with proline, which is neutral and non-polar, at codon 921 of the TONSL protein (p.Ala921Pro). This variant is present in population databases (rs200025720, gnomAD 0.03%). This variant has not been reported in the literature in individuals affected with TONSL-related conditions. ClinVar contains an entry for this variant (Variation ID: 1420304). Invitae Evidence Modeling of protein sequence and biophysical properties (such as structural, functional, and spatial information, amino acid conservation, physicochemical variation, residue mobility, and thermodynamic stability) indicates that this missense variant is not expected to disrupt TONSL protein function with a negative predictive value of 80%. In summary, the available evidence is currently insufficient to determine the role of this variant in disease. Therefore, it has been classified as a Variant of Uncertain Significance.

NM_013432.5(TONSL):c.2761G>C (p.Ala921Pro)

Genes: TONSL (tonsoku like, DNA repair protein; minus strand), TONSL-AS1 (TONSL antisense RNA 1; plus strand). Cytogenetic location: 8q24.3.
Variant type: single nucleotide variant.
Coding change: c.2761G>C on transcript NM_013432.5 (MANE Select); coding-DNA position 2761, G replaced by C.
Protein change: p.Ala921Pro; replaces alanine 921 with proline.
Molecular consequence: missense variant.
Genome position (GRCh38, 1-based): chr8:144,435,672, C>G on the plus strand (G>C on the coding strand, the complement: TONSL is on the minus strand). VCF-style: chr8-144435672-C-G. GRCh37 (hg19) VCF-style: chr8-145661055-C-G.
Other names: short protein forms A921P.
Identifiers: ClinVar variation 1420304 (VCV001420304.6), dbSNP rs200025720, ClinGen allele CA4942739.
Genomic context (GRCh38, chr8:144,435,672, plus strand): 5'-CTGCCCGGAGTGGGGAGAGGGCTCTGCTCCAGGTCTGCATACCCACCAAGGGCTGGCCTG[C>G]CGCAGAGCTGTCCCCACTGGGCTCTGAGACCCTGGGGGTGCTGGGGCTCCCTGGAGGTTC-3'
Protein context (NP_038460.4, residues 911-931): VSEPSGDSSA[Ala921Pro]GQPLGPAPPP